The following is an entry in ClinVar:

NM_003060.4(SLC22A5):c.1156G>A (p.Ala386Thr)

Gene: SLC22A5 (solute carrier family 22 member 5; plus strand). Cytogenetic location: 5q31.1.
Variant type: single nucleotide variant.
Coding change: c.1156G>A on transcript NM_003060.4 (MANE Select); coding-DNA position 1156, G replaced by A.
Protein change: p.Ala386Thr; replaces alanine 386 with threonine.
Molecular consequence: missense variant.
Genome position (GRCh38, 1-based): chr5:132,390,793, G>A. VCF-style: chr5-132390793-G-A. GRCh37 (hg19) VCF-style: chr5-131726485-G-A.
Other names: c.1228G>A, p.Ala410Thr (NM_001308122.2); short protein forms A410T, A386T.
Identifiers: ClinVar variation 4760567 (VCV004760567.1).

ClinVar aggregate classification (germline): Uncertain significance (1 of 4 stars; one submission).

Conditions:
Renal carnitine transport defect (CDSP). Also called: Systemic primary carnitine deficiency disease; Primary carnitine deficiency; Carnitine Deficiency, Systemic; CARNITINE DEFICIENCY, SYSTEMIC, DUE TO DEFECT IN RENAL REABSORPTION OF CARNITINE; CARNITINE TRANSPORTER, PLASMA-MEMBRANE, DEFICIENCY OF; CARNITINE UPTAKE DEFECT. Identifiers: Orphanet 158, MedGen C0342788, MONDO:0008919, OMIM 212140.

Submission:

Labcorp Genetics (formerly Invitae), Labcorp
Classification: Uncertain significance for Renal carnitine transport defect. Last evaluated: 2025-04-03. Review status: criteria provided, single submitter. Criteria: Invitae Variant Classification Sherloc (09022015). Collection method: clinical testing. Allele origin: germline.
Comment: This sequence change replaces alanine, which is neutral and non-polar, with threonine, which is neutral and polar, at codon 386 of the SLC22A5 protein (p.Ala386Thr). This variant is not present in population databases (gnomAD no frequency). This variant has not been reported in the literature in individuals affected with SLC22A5-related conditions. Invitae Evidence Modeling of protein sequence and biophysical properties (such as structural, functional, and spatial information, amino acid conservation, physicochemical variation, residue mobility, and thermodynamic stability) has been performed for this missense variant. However, the output from this modeling did not meet the statistical confidence thresholds required to predict the impact of this variant on SLC22A5 protein function. In summary, the available evidence is currently insufficient to determine the role of this variant in disease. Therefore, it has been classified as a Variant of Uncertain Significance.